The following is an entry in ClinVar:

ClinVar aggregate classification (germline): Benign/Likely benign. Review status: criteria provided, multiple submitters, no conflicts (2 of 4 stars). 5 submissions from 5 submitters: Benign (3); Likely benign (1). 1 of the submissions does not count toward it. Last evaluated 2025-05-02.

Conditions:
Hearing loss, X-linked 6. Also called: Deafness, X-linked 6. Identifiers: Orphanet 90625, MedGen C3806737, MONDO:0010484, OMIM 300914.
COL4A6-related disorder. Also called: COL4A6-related condition.

Allele frequency attached by ClinVar (database versions not stated): gnomAD 0.00006 and 0.00007; gnomAD exomes 0.00007 and 0.00034; TOPMed 0.00009; 1000 Genomes Project 30x 0.00021; 1000 Genomes Project 0.00026; ExAC 0.00046.
gnomAD v4.1: 86 of 1,201,278 alleles (0.0072%); highest among the groups gnomAD compares: Admixed American, 0.14%; 1 homozygote.

Submissions (5):

Labcorp Genetics (formerly Invitae), Labcorp
Classification: Benign. Last evaluated: 2025-05-02. Review status: criteria provided, single submitter. Criteria: Invitae Variant Classification Sherloc (09022015). Collection method: clinical testing. Allele origin: germline.

Blueprint Genetics
Classification: Likely benign. Last evaluated: 2024-08-15. Review status: criteria provided, single submitter. Criteria: ACMG Guidelines, 2015. Collection method: clinical testing. Allele origin: germline.

Genome-Nilou Lab
Classification: Benign for Hearing loss, X-linked 6. Last evaluated: 2022-03-15. Review status: criteria provided, single submitter. Criteria: ACMG Guidelines, 2015. Collection method: clinical testing. Allele origin: germline. Affected: no.

GeneDx
Classification: Benign. Last evaluated: 2018-05-29. Review status: criteria provided, single submitter. Criteria: GeneDx Variant Classification (06012015). Collection method: clinical testing. Allele origin: germline. Affected: yes.
Comment: This variant is considered likely benign or benign based on one or more of the following criteria: it is a conservative change, it occurs at a poorly conserved position in the protein, it is predicted to be benign by multiple in silico algorithms, and/or has population frequency not consistent with disease.

PreventionGenetics, part of Exact Sciences
Classification: Likely benign for COL4A6-related condition. Last evaluated: 2024-07-29. Review status: no assertion criteria provided. Collection method: clinical testing. Allele origin: germline. Not counted in ClinVar's aggregate classification.
Comment: This variant is classified as likely benign based on ACMG/AMP sequence variant interpretation guidelines (Richards et al. 2015 PMID: 25741868, with internal and published modifications).

NM_033641.4(COL4A6):c.672A>G (p.Gly224=)

Gene: COL4A6 (collagen type IV alpha 6 chain; minus strand). Cytogenetic location: Xq22.3.
Variant type: single nucleotide variant.
Coding change: c.672A>G on transcript NM_033641.4 (MANE Select); coding-DNA position 672, A replaced by G.
Protein change: p.Gly224=; no amino-acid change (glycine 224 retained).
Molecular consequence: synonymous variant.
Genome position (GRCh38, 1-based): chrX:108,205,454, T>C on the plus strand (A>G on the coding strand, the complement: COL4A6 is on the minus strand). VCF-style: chrX-108205454-T-C. GRCh37 (hg19) VCF-style: chrX-107448684-T-C.
Other names: c.672A>G, p.Gly224= (NM_001287758.2, NM_001287759.2, NM_001287760.2); c.675A>G, p.Gly225= (NM_001847.4); c.675A>G (NM_001847.3).
Identifiers: ClinVar variation 668190 (VCV000668190.12), dbSNP rs762112922, ClinGen allele CA10488060.